The following is an entry in ClinVar:

NM_001035.3(RYR2):c.9551A>G (p.Tyr3184Cys)

Gene: RYR2 (ryanodine receptor 2; plus strand). Cytogenetic location: 1q43.
Variant type: single nucleotide variant.
Coding change: c.9551A>G on transcript NM_001035.3 (MANE Select); coding-DNA position 9551, A replaced by G.
Protein change: p.Tyr3184Cys; replaces tyrosine 3184 with cysteine.
Molecular consequence: missense variant.
Genome position (GRCh38, 1-based): chr1:237,705,314, A>G. VCF-style: chr1-237705314-A-G. GRCh37 (hg19) VCF-style: chr1-237868614-A-G.
Other names: short protein forms Y3184C.
Identifiers: ClinVar variation 1439967 (VCV001439967.11), dbSNP rs772804208, ClinGen allele CA087915.

ClinVar aggregate classification (germline): Uncertain significance. Review status: criteria provided, multiple submitters, no conflicts (2 of 4 stars). 2 submissions from 2 submitters: Uncertain significance (2). Last evaluated 2025-10-01.

Conditions:
Cardiovascular phenotype. Identifiers: MedGen CN230736.
Catecholaminergic polymorphic ventricular tachycardia 1. Also called: VENTRICULAR TACHYCARDIA, CATECHOLAMINERGIC POLYMORPHIC, 1, WITH OR WITHOUT ATRIAL DYSFUNCTION AND/OR DILATED CARDIOMYOPATHY; RYR2-Related Catecholaminergic Polymorphic Ventricular Tachycardia; VENTRICULAR TACHYCARDIA, STRESS-INDUCED POLYMORPHIC 1. Identifiers: Orphanet 3286, MedGen C1631597, MONDO:0011484, OMIM 604772.

Allele frequency attached by ClinVar (database versions not stated): TOPMed below 0.00001; ExAC 0.00001; gnomAD 0.00001.

Submissions (2):

Labcorp Genetics (formerly Invitae), Labcorp
Classification: Uncertain significance for Catecholaminergic polymorphic ventricular tachycardia 1. Last evaluated: 2025-10-01. Review status: criteria provided, single submitter. Criteria: Invitae Variant Classification Sherloc (09022015). Collection method: clinical testing. Allele origin: germline.
Comment: This sequence change replaces tyrosine, which is neutral and polar, with cysteine, which is neutral and slightly polar, at codon 3184 of the RYR2 protein (p.Tyr3184Cys). The frequency data for this variant in the population databases is considered unreliable, as metrics indicate poor data quality at this position in the gnomAD database. This variant has not been reported in the literature in individuals affected with RYR2-related conditions. ClinVar contains an entry for this variant (Variation ID: 1439967). Invitae Evidence Modeling of protein sequence and biophysical properties (such as structural, functional, and spatial information, amino acid conservation, physicochemical variation, residue mobility, and thermodynamic stability) has been performed for this missense variant. However, the output from this modeling did not meet the statistical confidence thresholds required to predict the impact of this variant on RYR2 protein function. In summary, the available evidence is currently insufficient to determine the role of this variant in disease. Therefore, it has been classified as a Variant of Uncertain Significance.

Ambry Genetics
Classification: Uncertain significance for Cardiovascular phenotype. Last evaluated: 2023-12-18. Review status: criteria provided, single submitter. Criteria: Ambry Variant Classification Scheme 2023. Collection method: clinical testing. Allele origin: germline.
Comment: The p.Y3184C variant (also known as c.9551A>G), located in coding exon 67 of the RYR2 gene, results from an A to G substitution at nucleotide position 9551. The tyrosine at codon 3184 is replaced by cysteine, an amino acid with highly dissimilar properties. This amino acid position is highly conserved in available vertebrate species. In addition, this alteration is predicted to be deleterious by in silico analysis. Since supporting evidence is limited at this time, the clinical significance of this alteration remains unclear.